The following is an entry in ClinVar:

ClinVar aggregate classification (germline): Benign (1 of 4 stars; one submission).

Submission:

Unidad de Genómica Garrahan, Hospital de Pediatría Garrahan
Classification: Benign. Last evaluated: 2024-07-15. Review status: criteria provided, single submitter. Criteria: ACMG Guidelines, 2015. Collection method: clinical testing. Allele origin: germline. Affected: no. Observed: 59 variant alleles.
Comment: This variant is classified as Benign based on local population frequency. This variant was detected in 63% of patients studied in a panel designed for Epileptic and Developmental Encephalopathy and Progressive Myoclonus Epilepsy. Number of patients: 59. Only high quality variants are reported.

NC_000005.10:g.162036950C>A

Variant type: single nucleotide variant.
Genome position: GRCh38 VCF-style: chr5-162036950-C-A. GRCh37 (hg19) VCF-style: chr5-161463956-C-A.
Identifiers: ClinVar variation 3255256 (VCV003255256.2), dbSNP rs209329.
Genomic context (GRCh38, chr5:162,036,950, plus strand): 5'-GTCGCTCAGGCTGGGAGCTGTAGACCGGAGCTGTTCATATTCCGCCATCTTGGCTCCTCC[C>A]CCCGGTAAGTAATGTTTGATATATTAATTCCACAGACTATTCTACAGCAGAGAAAACAAC-3'